The following is an entry in ClinVar:

NM_002180.3(IGHMBP2):c.1334A>G (p.His445Arg)

Gene: IGHMBP2 (immunoglobulin mu DNA binding protein 2; plus strand). Cytogenetic location: 11q13.3.
Variant type: single nucleotide variant.
Coding change: c.1334A>G on transcript NM_002180.3 (MANE Select); coding-DNA position 1334, A replaced by G.
Protein change: p.His445Arg; replaces histidine 445 with arginine.
Molecular consequence: missense variant.
Genome position (GRCh38, 1-based): chr11:68,933,397, A>G. VCF-style: chr11-68933397-A-G. GRCh37 (hg19) VCF-style: chr11-68700865-A-G.
Other names: short protein forms H445R.
Identifiers: ClinVar variation 1519440 (VCV001519440.8), dbSNP rs571142182, ClinGen allele CA6153607.

ClinVar aggregate classification (germline): Uncertain significance (1 of 4 stars; one submission).

Conditions:
Charcot-Marie-Tooth disease axonal type 2S. Also called: CHARCOT-MARIE-TOOTH DISEASE, AXONAL, AUTOSOMAL RECESSIVE, TYPE 2S; CHARCOT-MARIE-TOOTH NEUROPATHY, TYPE 2S. Identifiers: Orphanet 443073, MedGen C4015349, MONDO:0014511, OMIM 616155.
Autosomal recessive distal spinal muscular atrophy 1. Also called: Spinal muscular atrophy with respiratory distress 1; HMN VI; NEURONOPATHY, DISTAL HEREDITARY MOTOR, HARDING TYPE VI; NEUROPATHY, DISTAL HEREDITARY MOTOR, AUTOSOMAL RECESSIVE 1; NEURONOPATHY, SEVERE INFANTILE AXONAL, WITH RESPIRATORY FAILURE; SEVERE INFANTILE AXONAL NEUROPATHY WITH RESPIRATORY FAILURE. Identifiers: Orphanet 98920, MedGen C1858517, MONDO:0011436, OMIM 604320.

Allele frequency attached by ClinVar (database versions not stated): gnomAD 0.00001; TOPMed 0.00001.
gnomAD v4.1: 6 of 1,613,056 alleles (0.00037%); highest among the groups gnomAD compares: African/African-American, 0.0067%; no homozygotes.

Submission:

Labcorp Genetics (formerly Invitae), Labcorp
Classification: Uncertain significance for Autosomal recessive distal spinal muscular atrophy 1; Charcot-Marie-Tooth disease axonal type 2S. Last evaluated: 2022-03-23. Review status: criteria provided, single submitter. Criteria: Invitae Variant Classification Sherloc (09022015). Collection method: clinical testing. Allele origin: germline.
Comment: This variant has not been reported in the literature in individuals affected with IGHMBP2-related conditions. In summary, the available evidence is currently insufficient to determine the role of this variant in disease. Therefore, it has been classified as a Variant of Uncertain Significance. Advanced modeling of protein sequence and biophysical properties (such as structural, functional, and spatial information, amino acid conservation, physicochemical variation, residue mobility, and thermodynamic stability) performed at Invitae indicates that this missense variant is expected to disrupt IGHMBP2 protein function. This variant is present in population databases (rs571142182, gnomAD 0.01%). This sequence change replaces histidine, which is basic and polar, with arginine, which is basic and polar, at codon 445 of the IGHMBP2 protein (p.His445Arg).